The following is an entry in ClinVar:

NM_000419.5(ITGA2B):c.281dup (p.Gln95fs)

Gene: ITGA2B (integrin subunit alpha 2b; minus strand). Cytogenetic location: 17q21.31.
Variant type: Duplication.
Coding change: c.281dup on transcript NM_000419.5 (MANE Select); coding-DNA position 281, one base duplicated (G; older notation c.281dupG).
Protein change: p.Gln95fs; shifts the reading frame from glutamine 95.
Molecular consequence: frameshift variant.
Genome position (GRCh38, 1-based): chr17:44,386,039, C duplicated on the plus strand (G on the coding strand, the reverse complement: ITGA2B is on the minus strand); the first of 2 consecutive C bases (chr17:44,386,039-44,386,040); duplicating either gives the same sequence. VCF-style (leftmost placement, unchanged base first): chr17-44386038-G-GC. GRCh37 (hg19) VCF-style: chr17-42463406-G-GC.
Other names: short protein forms Q95fs.
Identifiers: ClinVar variation 4721155 (VCV004721155.1).

ClinVar aggregate classification (germline): Pathogenic (1 of 4 stars; one submission).

Conditions:
Glanzmann thrombasthenia. Also called: BLEEDING DISORDER, PLATELET-TYPE, 2; THROMBASTHENIA OF GLANZMANN AND NAEGELI; Glanzmann's thrombasthenia; Thrombasthenia; PLATELET GLYCOPROTEIN IIb-IIIa DEFICIENCY. Identifiers: Orphanet 849, MedGen C0040015, MONDO:0100326.

Submission:

Labcorp Genetics (formerly Invitae), Labcorp
Classification: Pathogenic for Glanzmann thrombasthenia. Last evaluated: 2025-06-10. Review status: criteria provided, single submitter. Criteria: Invitae Variant Classification Sherloc (09022015). Collection method: clinical testing. Allele origin: germline.
Comment: This sequence change creates a premature translational stop signal (p.Gln95Profs*8) in the ITGA2B gene. It is expected to result in an absent or disrupted protein product. Loss-of-function variants in ITGA2B are known to be pathogenic (PMID: 21917754). This variant is not present in population databases (gnomAD no frequency). This variant has not been reported in the literature in individuals affected with ITGA2B-related conditions. Algorithms developed to predict the effect of sequence changes on RNA splicing suggest that this variant may disrupt the consensus splice site. For these reasons, this variant has been classified as Pathogenic.

Literature cited by the submitters: PubMed 21917754.